The following is an entry in ClinVar:

ClinVar aggregate classification (germline): Conflicting classifications of pathogenicity. Review status: criteria provided, conflicting classifications (1 of 4 stars). 3 submissions from 3 submitters: Pathogenic (1); Uncertain significance (2). Last evaluated 2025-11-20.

Conditions:
Biotinidase deficiency. Also called: BTD deficiency; Late-onset biotin-responsive multiple carboxylase deficiency; Biotin deficiency. Identifiers: Orphanet 79241, MedGen C0220754, MONDO:0009665, OMIM 253260.

Submissions (3):

Women's Health and Genetics/Laboratory Corporation of America, LabCorp
Classification: Uncertain significance. Last evaluated: 2025-11-20. Review status: criteria provided, single submitter. Criteria: LabCorp Variant Classification Summary - May 2015. Collection method: clinical testing. Allele origin: germline.
Comment: Variant summary: BTD c.1399T>C (p.Trp467Arg) results in a non-conservative amino acid change in the encoded protein sequence. Algorithms developed to predict the effect of missense changes on protein structure and function are either unavailable or do not agree on the potential impact of this missense change. The variant was absent in 251442 control chromosomes (gnomAD). c.1399T>C has been observed in an individual affected with Biotinidase Deficiency (Pomponio_2000). These data indicate that the variant may be associated with disease. To our knowledge, no experimental evidence demonstrating an impact on protein function has been reported. The following publication has been ascertained in the context of this evaluation (PMID: 10801060). ClinVar contains an entry for this variant (Variation ID: 25091). Based on the evidence outlined above, the variant was classified as VUS-possibly pathogenic.

Labcorp Genetics (formerly Invitae), Labcorp
Classification: Uncertain significance for Biotinidase deficiency. Last evaluated: 2024-10-23. Review status: criteria provided, single submitter. Criteria: Invitae Variant Classification Sherloc (09022015). Collection method: clinical testing. Allele origin: germline.
Comment: This sequence change replaces tryptophan, which is neutral and slightly polar, with arginine, which is basic and polar, at codon 487 of the BTD protein (p.Trp487Arg). This variant is not present in population databases (gnomAD no frequency). This missense change has been observed in individual(s) with biotinidase deficiency (PMID: 10801060; internal data). ClinVar contains an entry for this variant (Variation ID: 25091). Invitae Evidence Modeling of protein sequence and biophysical properties (such as structural, functional, and spatial information, amino acid conservation, physicochemical variation, residue mobility, and thermodynamic stability) has been performed for this missense variant. However, the output from this modeling did not meet the statistical confidence thresholds required to predict the impact of this variant on BTD protein function. In summary, the available evidence is currently insufficient to determine the role of this variant in disease. Therefore, it has been classified as a Variant of Uncertain Significance.

GeneDx
Classification: Pathogenic. Last evaluated: 2015-04-13. Review status: criteria provided, single submitter. Criteria: GeneDx Variant Classification (06012015). Collection method: clinical testing. Allele origin: germline. Affected: yes.
Comment: The W487R missense variant in the BTD gene has been reported previously in association with biotinidasedeficiency (Pomponio et al., 2000; ARUP BTD mutation database). Furthermore, multiple missense variantsin nearby residues (A478P, G488D, N489T, P497S) have been reported in the Human Gene MutationDatabase in association with biotinidase deficiency (Stenson et al., 2014). We consider this variant to be pathogenic.

Literature cited by the submitters: PubMed 10801060 (cited by Women's Health and Genetics/Laboratory Corporation of America, LabCorp and Labcorp Genetics (formerly Invitae), Labcorp).

NM_001370658.1(BTD):c.1399T>C (p.Trp467Arg)

Gene: BTD (biotinidase; plus strand). Cytogenetic location: 3p25.1.
Variant type: single nucleotide variant.
Coding change: c.1399T>C on transcript NM_001370658.1 (MANE Select); coding-DNA position 1399, T replaced by C.
Protein change: p.Trp467Arg; replaces tryptophan 467 with arginine.
Molecular consequence: missense variant. On other transcripts: intron variant (2).
Genome position (GRCh38, 1-based): chr3:15,645,315, T>C. VCF-style: chr3-15645315-T-C. GRCh37 (hg19) VCF-style: chr3-15686822-T-C.
Other names: c.1459T>C, p.Trp487Arg (NM_000060.4); c.1399T>C, p.Trp467Arg (NM_001281723.4, NM_001281724.3, NM_001281725.3 and 16 more transcripts); c.1015+384T>C (NM_001370752.1); c.399+3258T>C (NM_001370753.1); short protein forms W467R.
Identifiers: ClinVar variation 25091 (VCV000025091.5), dbSNP rs397514422, ClinGen allele CA278344.